The following is an entry in ClinVar:

ClinVar aggregate classification (germline): Uncertain significance. Review status: criteria provided, multiple submitters, no conflicts (2 of 4 stars). 2 submissions from 2 submitters: Uncertain significance (2). Last evaluated 2024-12-23.

Conditions:
Polyglucosan body myopathy type 1 (PGBM1). Also called: Polyglucosan body myopathy 1 with or without immunodeficiency; POLYGLUCOSAN BODY MYOPATHY WITHOUT IMMUNODEFICIENCY. Identifiers: Orphanet 329173, Orphanet 397937, MedGen C4014605, MONDO:0014389, OMIM 615895.
Inborn genetic diseases. Identifiers: MedGen C0950123, MeSH D030342.

Allele frequency attached by ClinVar (database versions not stated): gnomAD 0.00005; ExAC 0.00002; gnomAD exomes 0.00002; TOPMed 0.00003.
gnomAD v4.1: 39 of 1,613,958 alleles (0.0024%); highest among the groups gnomAD compares: Non-Finnish European, 0.0032%; no homozygotes.

Submissions (2):

Ambry Genetics
Classification: Uncertain significance for Inborn genetic diseases. Last evaluated: 2024-12-23. Review status: criteria provided, single submitter. Criteria: Ambry Variant Classification Scheme 2023. Collection method: clinical testing. Allele origin: germline.

Labcorp Genetics (formerly Invitae), Labcorp
Classification: Uncertain significance for Polyglucosan body myopathy type 1. Last evaluated: 2021-10-05. Review status: criteria provided, single submitter. Criteria: Invitae Variant Classification Sherloc (09022015). Collection method: clinical testing. Allele origin: germline.
Comment: This sequence change replaces glutamine with glutamic acid at codon 111 of the RBCK1 protein (p.Gln111Glu). The glutamine residue is highly conserved and there is a small physicochemical difference between glutamine and glutamic acid. This variant is present in population databases (rs746197240, ExAC 0.005%). This variant has not been reported in the literature in individuals affected with RBCK1-related conditions. ClinVar contains an entry for this variant (Variation ID: 1035745). Algorithms developed to predict the effect of missense changes on protein structure and function are either unavailable or do not agree on the potential impact of this missense change (SIFT: "Not Available"; PolyPhen-2: "Benign"; Align-GVGD: "Not Available"). In summary, the available evidence is currently insufficient to determine the role of this variant in disease. Therefore, it has been classified as a Variant of Uncertain Significance.

NM_031229.4(RBCK1):c.331C>G (p.Gln111Glu)

Gene: RBCK1 (RANBP2-type and C3HC4-type zinc finger containing 1; plus strand). Cytogenetic location: 20p13.
Variant type: single nucleotide variant.
Coding change: c.331C>G on transcript NM_031229.4 (MANE Select); coding-DNA position 331, C replaced by G.
Protein change: p.Gln111Glu; replaces glutamine 111 with glutamic acid.
Molecular consequence: missense variant. On other transcripts: 5 prime UTR variant (2), non-coding transcript variant (1).
Genome position (GRCh38, 1-based): chr20:417,801, C>G. VCF-style: chr20-417801-C-G. GRCh37 (hg19) VCF-style: chr20-398445-C-G.
Other names: c.-19C>G (NM_001323956.2, NM_001323958.2); c.205C>G, p.Gln69Glu (NM_006462.6); c.331C>G (NM_031229.2); short protein forms Q111E, Q69E.
Identifiers: ClinVar variation 1035745 (VCV001035745.5), dbSNP rs746197240, ClinGen allele CA9723048.